The following is an entry in ClinVar:

ClinVar aggregate classification (germline): Uncertain significance (1 of 4 stars; one submission).

Conditions:
Cardiovascular phenotype. Identifiers: MedGen CN230736.

Submission:

Ambry Genetics
Classification: Uncertain significance for Cardiovascular phenotype. Last evaluated: 2019-05-08. Review status: criteria provided, single submitter. Criteria: Ambry Variant Classification Scheme 2023. Collection method: clinical testing. Allele origin: germline.
Comment: The p.D2285N variant (also known as c.6853G>A), located in coding exon 19 of the TNXB gene, results from a G to A substitution at nucleotide position 6853. The aspartic acid at codon 2285 is replaced by asparagine, an amino acid with highly similar properties. This amino acid position is not well conserved in available vertebrate species. In addition, this alteration is predicted to be tolerated by in silico analysis. Since supporting evidence is limited at this time, the clinical significance of this alteration remains unclear.

NM_001365276.2(TNXB):c.6853G>A (p.Asp2285Asn)

Gene: TNXB (tenascin XB; minus strand). Cytogenetic location: 6p21.33.
Variant type: single nucleotide variant.
Coding change: c.6853G>A on transcript NM_001365276.2 (MANE Select); coding-DNA position 6853, G replaced by A.
Protein change: p.Asp2285Asn; replaces aspartic acid 2285 with asparagine.
Molecular consequence: missense variant.
Genome position (GRCh38, 1-based): chr6:32,062,472, C>T on the plus strand (G>A on the coding strand, the complement: TNXB is on the minus strand). VCF-style: chr6-32062472-C-T. GRCh37 (hg19) VCF-style: chr6-32030249-C-T.
Other names: c.6853G>A, p.Asp2285Asn (NM_019105.8); short protein forms D2285N.
Identifiers: ClinVar variation 1755806 (VCV001755806.2), dbSNP rs866003105, ClinGen allele CA136908976.